The following is an entry in ClinVar:

NM_004415.4(DSP):c.3923G>A (p.Arg1308Gln)

Gene: DSP (desmoplakin; plus strand). Cytogenetic location: 6p24.3.
Variant type: single nucleotide variant.
Coding change: c.3923G>A on transcript NM_004415.4 (MANE Select); coding-DNA position 3923, G replaced by A.
Protein change: p.Arg1308Gln; replaces arginine 1308 with glutamine.
Molecular consequence: missense variant. On other transcripts: intron variant (1).
Genome position (GRCh38, 1-based): chr6:7,580,113, G>A. VCF-style: chr6-7580113-G-A. GRCh37 (hg19) VCF-style: chr6-7580346-G-A.
Other names: c.3923G>A, p.Arg1308Gln (NM_001319034.2); c.3582+341G>A (NM_001008844.3); short protein forms R1308Q.
Identifiers: ClinVar variation 178028 (VCV000178028.69), dbSNP rs184154918, ClinGen allele CA004286.

ClinVar aggregate classification (germline): Benign/Likely benign. Review status: criteria provided, multiple submitters, no conflicts (2 of 4 stars). 17 submissions from 17 submitters: Benign (10); Likely benign (2). 5 of the submissions do not count toward it. Last evaluated 2026-06-01.

Conditions:
Hypertrophic cardiomyopathy. Also called: HYPERTROPHIC MYOCARDIOPATHY. Identifiers: Orphanet 217569, MedGen C0007194, MeSH D002312, MONDO:0005045, HP:0001639.
Cardiomyopathy (CMYO). Also called: Cardiomyopathies. Identifiers: Orphanet 167848, MedGen C0878544, MONDO:0004994, HP:0001638. Inheritance: Various modes of inheritance.
Cardiovascular phenotype. Identifiers: MedGen CN230736.
Arrhythmogenic right ventricular dysplasia 8 (ARVD8). Also called: ARRHYTHMOGENIC RIGHT VENTRICULAR DYSPLASIA, FAMILIAL, 8; Arrhythmogenic Right Ventricular Dysplasia/Cardiomyopathy 8; ARRHYTHMOGENIC RIGHT VENTRICULAR CARDIOMYOPATHY 8. Identifiers: MedGen C1843896, MONDO:0011831, OMIM 607450.
Arrhythmogenic cardiomyopathy with wooly hair and keratoderma. Also called: Arrhythmogenic cardiomyopathy with woolly hair and keratoderma; PALMOPLANTAR KERATODERMA WITH LEFT VENTRICULAR CARDIOMYOPATHY AND WOOLLY HAIR; Dilated cardiomyopathy with woolly hair and keratoderma; Carvajal syndrome. Identifiers: Orphanet 65282, MedGen C1854063, MONDO:0011581, OMIM 605676.

Allele frequency attached by ClinVar (database versions not stated): ESP Exome Variant Server 0.00008; gnomAD 0.00037; TOPMed 0.00060; 1000 Genomes Project 30x 0.00312; 1000 Genomes Project 0.00319.
gnomAD v4.1: 441 of 1,613,998 alleles (0.027%); highest among the groups gnomAD compares: East Asian, 0.88%; 2 homozygotes.

Submissions (17):

CeGaT Center for Human Genetics Tuebingen
Classification: Benign. Last evaluated: 2026-06-01. Review status: criteria provided, single submitter. Criteria: CeGaT Center For Human Genetics Tuebingen Variant Classification Criteria Version 2. Collection method: clinical testing. Allele origin: germline. Affected: yes. Observed: 3 variant alleles.
Comment: DSP: BP4, BS1, BS2

Labcorp Genetics (formerly Invitae), Labcorp
Classification: Benign for Arrhythmogenic cardiomyopathy with wooly hair and keratoderma; Arrhythmogenic right ventricular dysplasia 8. Last evaluated: 2026-02-03. Review status: criteria provided, single submitter. Criteria: Invitae Variant Classification Sherloc (09022015). Collection method: clinical testing. Allele origin: germline.

Blueprint Genetics
Classification: Likely benign. Last evaluated: 2024-11-26. Review status: criteria provided, single submitter. Criteria: ACMG Guidelines, 2015. Collection method: clinical testing. Allele origin: germline.

Color Diagnostics, LLC DBA Color Health
Classification: Benign for Cardiomyopathy. Last evaluated: 2018-03-08. Review status: criteria provided, single submitter. Criteria: ACMG Guidelines, 2015. Collection method: clinical testing. Allele origin: germline.

CHEO Genetics Diagnostic Laboratory, Children's Hospital of Eastern Ontario
Classification: Benign for Cardiomyopathy. Last evaluated: 2017-11-28. Review status: criteria provided, single submitter. Criteria: ACMG Guidelines, 2015. Collection method: clinical testing. Allele origin: germline.

Women's Health and Genetics/Laboratory Corporation of America, LabCorp
Classification: Benign. Last evaluated: 2017-08-22. Review status: criteria provided, single submitter. Criteria: LabCorp Variant Classification Summary - May 2015. Collection method: clinical testing. Allele origin: germline.
Comment: Variant summary: The c.3923G>A (p.Arg1308Gln) in the DSP gene is a missense change that involves the alteration of a non- conserved nucleotide and 5/5 in silico tools predict benign outcome. The variant was observed in the large and broad cohorts of the ExAC project at an allele frequency of 0.001212 (146/ 120504 chrs tested), predominantly in individuals of East Asian descent (0.01648; 142/ 8618 chrs, including 1 homozygotes). The latter frequency exceeds the maximal expected allele frequency for a pathogenic variant in this gene (0.00001). Lastly, several reputable databases/diagnostic centers classified the variant of interest as Benign/Likely Benign. Taking together, the variant was classified as Benign.

Center for Advanced Laboratory Medicine, UC San Diego Health, University of California San Diego
Classification: Benign for Hypertrophic cardiomyopathy; Cardiomyopathy. Last evaluated: 2017-07-06. Review status: criteria provided, single submitter. Criteria: ACMG Guidelines, 2015. Collection method: clinical testing. Allele origin: germline. Affected: yes. Observed: 2 variant alleles.

Molecular Diagnostic Laboratory for Inherited Cardiovascular Disease, Montreal Heart Institute
Classification: Benign. Last evaluated: 2017-06-28. Review status: criteria provided, single submitter. Criteria: ACMG Guidelines, 2015. Collection method: clinical testing. Allele origin: germline. Affected: yes.

Ambry Genetics
Classification: Benign for Cardiovascular phenotype. Last evaluated: 2016-05-23. Review status: criteria provided, single submitter. Criteria: Ambry Variant Classification Scheme 2023. Collection method: clinical testing. Allele origin: germline.

GeneDx
Classification: Benign. Last evaluated: 2015-03-03. Review status: criteria provided, single submitter. Criteria: GeneDx Variant Classification Process June 2021. Collection method: clinical testing. Allele origin: germline. Affected: yes.
Comment: This variant is associated with the following publications: (PMID: 26585738)

Laboratory for Molecular Medicine, Mass General Brigham Personalized Medicine
Classification: Benign. Last evaluated: 2014-11-06. Review status: criteria provided, single submitter. Criteria: LMM Criteria. Collection method: clinical testing. Allele origin: germline. Observed: 4 variant alleles.
Comment: p.Arg1308Gln in exon 23 of DSP: This variant is not expected to have clinical si gnificance because it has been identified in 1.5% (6/394) of Han Chinese chromos omes by the 1000 Genomes Project (dbSNP rs184154918) and in 1.7% (145/8730) of E ast Asian chromosomes by the Exome Aggregation Consortium (ExAC).

PreventionGenetics, part of Exact Sciences
Classification: Likely benign. Review status: criteria provided, single submitter. Criteria: ACMG Guidelines, 2015. Collection method: clinical testing. Allele origin: germline.

Clinical Genetics DNA and cytogenetics Diagnostics Lab, Erasmus MC, Erasmus Medical Center
Classification: Benign. Review status: no assertion criteria provided. Collection method: clinical testing. Allele origin: germline. Affected: yes. Study: VKGL Data-share Consensus. Not counted in ClinVar's aggregate classification.

Clinical Genetics, Academic Medical Center
Classification: Benign. Review status: no assertion criteria provided. Collection method: clinical testing. Allele origin: germline. Affected: yes. Study: VKGL Data-share Consensus. Not counted in ClinVar's aggregate classification.

Diagnostic Laboratory, Department of Genetics, University Medical Center Groningen
Classification: Likely benign. Review status: no assertion criteria provided. Collection method: clinical testing. Allele origin: germline. Affected: yes. Study: VKGL Data-share Consensus. Not counted in ClinVar's aggregate classification.

Joint Genome Diagnostic Labs from Nijmegen and Maastricht, Radboudumc and MUMC+
Classification: Benign. Review status: no assertion criteria provided. Collection method: clinical testing. Allele origin: germline. Affected: yes. Study: VKGL Data-share Consensus. Not counted in ClinVar's aggregate classification.

Laboratory of Diagnostic Genome Analysis, Leiden University Medical Center (LUMC)
Classification: Likely benign. Review status: no assertion criteria provided. Collection method: clinical testing. Allele origin: germline. Affected: yes. Study: VKGL Data-share Consensus. Not counted in ClinVar's aggregate classification.

Literature cited by the submitters: PubMed 18632414 (cited by Women's Health and Genetics/Laboratory Corporation of America, LabCorp and Laboratory for Molecular Medicine, Mass General Brigham Personalized Medicine).